The following is an entry in ClinVar:

ClinVar aggregate classification (germline): Uncertain significance (1 of 4 stars; one submission).

Conditions:
Developmental and epileptic encephalopathy, 73. Also called: EPILEPTIC ENCEPHALOPATHY, EARLY INFANTILE, 73; Rnf13-related severe early-onset epileptic encephalopathy. Identifiers: Orphanet 544503, MedGen C5193065, MONDO:0034106, OMIM 618379.

Submission:

Mendelics
Classification: Uncertain significance for Developmental and epileptic encephalopathy, 73. Last evaluated: 2026-03-05. Review status: criteria provided, single submitter. Criteria: ACMG Guidelines, 2015. Collection method: clinical testing. Allele origin: unknown.
Comment: The available evidence is insufficient to conclusively determine the role of this variant. Therefore, it is classified as a Variant of Uncertain Significance.

NM_183381.3(RNF13):c.38C>T (p.Thr13Ile)

Gene: RNF13 (ring finger protein 13; plus strand). Cytogenetic location: 3q25.1.
Variant type: single nucleotide variant.
Coding change: c.38C>T on transcript NM_183381.3 (MANE Select); coding-DNA position 38, C replaced by T.
Protein change: p.Thr13Ile; replaces threonine 13 with isoleucine.
Molecular consequence: missense variant. On other transcripts: 5 prime UTR variant (4), non-coding transcript variant (1), intron variant (2).
Genome position (GRCh38, 1-based): chr3:149,846,064, C>T. VCF-style: chr3-149846064-C-T. GRCh37 (hg19) VCF-style: chr3-149563851-C-T.
Other names: c.38C>T, p.Thr13Ile (NM_001378285.1, NM_001378286.1, NM_007282.4); c.-330C>T (NM_001378287.1, NM_001378288.1, NM_001378289.1 and 1 more transcripts); c.-253-6452C>T (NM_183383.2); c.-279-6452C>T (NM_001378291.1); short protein forms T13I.
Identifiers: ClinVar variation 4813554 (VCV004813554.1).